The following is an entry in ClinVar:

NM_001330260.2(SCN8A):c.2138A>T (p.Glu713Val)

Gene: SCN8A (sodium voltage-gated channel alpha subunit 8; plus strand). Cytogenetic location: 12q13.13.
Variant type: single nucleotide variant.
Coding change: c.2138A>T on transcript NM_001330260.2 (MANE Select); coding-DNA position 2138, A replaced by T.
Protein change: p.Glu713Val; replaces glutamic acid 713 with valine.
Molecular consequence: missense variant.
Genome position (GRCh38, 1-based): chr12:51,751,361, A>T. VCF-style: chr12-51751361-A-T. GRCh37 (hg19) VCF-style: chr12-52145145-A-T.
Other names: c.2138A>T, p.Glu713Val (NM_001177984.3, NM_001369788.1, NM_014191.4); short protein forms E713V.
Identifiers: ClinVar variation 4074592 (VCV004074592.1).

ClinVar aggregate classification (germline): Uncertain significance (1 of 4 stars; one submission).

Submission:

GeneDx
Classification: Uncertain significance. Last evaluated: 2025-02-07. Review status: criteria provided, single submitter. Criteria: GeneDx Variant Classification Process June 2021. Collection method: clinical testing. Allele origin: germline. Affected: yes.
Comment: Not observed at significant frequency in large population cohorts (gnomAD); In silico analysis supports that this missense variant has a deleterious effect on protein structure/function; In silico analysis supports a deleterious effect on splicing; Has not been previously published as pathogenic or benign to our knowledge; This substitution is predicted to be within the cytoplasmic loop between the first and second homologous domains